The following is an entry in ClinVar:

ClinVar aggregate classification (germline): Uncertain significance (1 of 4 stars; one submission).

Conditions:
Familial hypokalemia-hypomagnesemia (GTLMNS). Also called: HYPOMAGNESEMIA-HYPOKALEMIA, PRIMARY RENOTUBULAR, WITH HYPOCALCIURIA; POTASSIUM AND MAGNESIUM DEPLETION; gitelman syndrome. Identifiers: Orphanet 358, MedGen C0268450, MONDO:0009904, OMIM 263800.

gnomAD v4.1: 7 of 1,613,970 alleles (0.00043%); highest among the groups gnomAD compares: Non-Finnish European, 0.00059%; no homozygotes.

Submission:

3billion
Classification: Uncertain significance for Familial hypokalemia-hypomagnesemia. Last evaluated: 2025-12-15. Review status: criteria provided, single submitter. Criteria: ACMG Guidelines, 2015. Collection method: clinical testing. Allele origin: germline. Affected: yes.
Comment: The variant is observed at an extremely low frequency in the gnomAD v4.1.0 dataset (total allele frequency: <0.001%). Predicted Consequence/Location: Missense variant In silico tool predictions suggest damaging effect of the variant on gene or gene product [REVEL: 0.94 (>=0.6, sensitivity 0.68 and specificity 0.92); 3Cnet: 0.81 (> 0.75, sensitivity 0.96 and precision 0.92)]. A different missense change at the same codon (p.Met672Ile) has been reported to be associated with SLC12A3-related disorder (PMID: 16429844, 27454426). Therefore, this variant is classified as VUS according to the recommendation of ACMG/AMP guideline.

Literature cited by the submitters: PubMed 16429844.

NM_001126108.2(SLC12A3):c.2015T>A (p.Met672Lys)

Gene: SLC12A3 (solute carrier family 12 member 3; plus strand). Cytogenetic location: 16q13.
Variant type: single nucleotide variant.
Coding change: c.2015T>A on transcript NM_001126108.2 (MANE Select); coding-DNA position 2015, T replaced by A.
Protein change: p.Met672Lys; replaces methionine 672 with lysine.
Molecular consequence: missense variant.
Genome position (GRCh38, 1-based): chr16:56,886,453, T>A. VCF-style: chr16-56886453-T-A. GRCh37 (hg19) VCF-style: chr16-56920365-T-A.
Other names: c.2015T>A, p.Met672Lys (NM_000339.3); c.2012T>A, p.Met671Lys (NM_001126107.2, NM_001410896.1); short protein forms M671K, M672K.
Identifiers: ClinVar variation 4855348 (VCV004855348.1).